The following is an entry in ClinVar:

ClinVar aggregate classification (germline): Pathogenic. Review status: criteria provided, multiple submitters, no conflicts (2 of 4 stars). 5 submissions from 5 submitters: Pathogenic (3). 2 of the submissions do not count toward it. Last evaluated 2025-12-19.

Conditions:
Cardiovascular phenotype. Identifiers: MedGen CN230736.
Alstrom syndrome (ALMS). Identifiers: Orphanet 64, MedGen C0268425, MONDO:0008763, OMIM 203800.

Submissions (5):

Labcorp Genetics (formerly Invitae), Labcorp
Classification: Pathogenic for Alstrom syndrome. Last evaluated: 2025-12-19. Review status: criteria provided, single submitter. Criteria: Invitae Variant Classification Sherloc (09022015). Collection method: clinical testing. Allele origin: germline.
Comment: This sequence change creates a premature translational stop signal (p.Asp3771Glufs*20) in the ALMS1 gene. It is expected to result in an absent or disrupted protein product. Loss-of-function variants in ALMS1 are known to be pathogenic (PMID: 17594715). This variant is present in population databases (rs780252175, gnomAD 0.005%). This premature translational stop signal has been observed in individual(s) with Alström syndrome (PMID: 17594715). ClinVar contains an entry for this variant (Variation ID: 977958). For these reasons, this variant has been classified as Pathogenic.

Ambry Genetics
Classification: Pathogenic for Cardiovascular phenotype. Last evaluated: 2023-09-22. Review status: criteria provided, single submitter. Criteria: Ambry Variant Classification Scheme 2023. Collection method: clinical testing. Allele origin: germline.
Comment: The c.11313_11316delTAGA pathogenic mutation, located in coding exon 16 of the ALMS1 gene, results from a deletion of 4 nucleotides at nucleotide positions 11313 to 11316, causing a translational frameshift with a predicted alternate stop codon (p.D3771Efs*20). This alteration has been reported in association with Alstrom syndrome Marshall JD et al. Hum Mutat, 2007 Nov;28:1114-23; Corbetti F et al. Int J Cardiol, 2013 Aug;167:1257-63; Citton V et al. J Neuroradiol, 2016 Jun;43:195-9; Han JC et al. J Clin Endocrinol Metab, 2018 Jul;103:2707-2719). This variant is considered to be rare based on population cohorts in the Genome Aggregation Database (gnomAD). In addition to the clinical data presented in the literature, this alteration is expected to result in loss of function by premature protein truncation or nonsense-mediated mRNA decay. As such, this alteration is interpreted as a disease-causing mutation.

Institute of Human Genetics, University of Leipzig Medical Center
Classification: Pathogenic for Alstrom syndrome. Last evaluated: 2021-07-26. Review status: criteria provided, single submitter. Criteria: ACMG Guidelines, 2015. Collection method: clinical testing. Allele origin: unknown. Affected: yes.
Comment: This variant was identified as compound heterozygous with NM_015120.4:c.8656C>T.

Natera, Inc.
Classification: Pathogenic for Alstrom syndrome. Last evaluated: 2021-03-30. Review status: no assertion criteria provided. Collection method: clinical testing. Allele origin: germline. Not counted in ClinVar's aggregate classification.

Laboratory of Genetics in Ophthalmology, Institut Imagine
Classification: Pathogenic for Alstrom syndrome. Review status: no assertion criteria provided. Collection method: research. Allele origin: inherited. Affected: yes. Observed: 1 variant allele. Not counted in ClinVar's aggregate classification.

Literature cited by the submitters: PubMed 17594715 (cited by 3 submitters); PubMed 22498418 (cited by Ambry Genetics); PubMed 26704672 (cited by Ambry Genetics); PubMed 29718281 (cited by Ambry Genetics); PubMed 32867697 (cited by Ambry Genetics); PubMed 33924909 (cited by Ambry Genetics).

NM_001378454.1(ALMS1):c.11310_11313del (p.Asp3770fs)

Gene: ALMS1 (ALMS1 centrosome and basal body associated protein; plus strand). Cytogenetic location: 2p13.1.
Variant type: Deletion.
Coding change: c.11310_11313del on transcript NM_001378454.1 (MANE Select); coding-DNA positions 11310 to 11313, 4 bases deleted (TAGA; older notation c.11310_11313delTAGA).
Protein change: p.Asp3770fs; shifts the reading frame from aspartic acid 3770.
Molecular consequence: frameshift variant.
Genome position (GRCh38, 1-based): chr2:73,573,187-73,573,190, TAGA deleted; deleting any 4 consecutive bases within chr2:73,573,184-73,573,190 gives the same sequence; the c. name uses the placement nearest the transcript's 3' end. VCF-style (leftmost placement, unchanged base first): chr2-73573183-CAGAT-C. GRCh37 (hg19) VCF-style: chr2-73800310-CAGAT-C.
Other names: c.11313_11316delTAGA (NM_015120.4); c.11313_11316del, p.Asp3771fs (NM_015120.4); short protein forms D3770fs, D3771fs.
Identifiers: ClinVar variation 977958 (VCV000977958.16), dbSNP rs780252175, ClinGen allele CA1715160.